The following is an entry in ClinVar:

ClinVar aggregate classification (germline): Conflicting classifications of pathogenicity. Review status: criteria provided, conflicting classifications (1 of 4 stars). 8 submissions from 7 submitters: Uncertain significance (6); Likely benign (2). Last evaluated 2025-07-08.

Conditions:
Autosomal recessive nonsyndromic hearing loss 21. Identifiers: Orphanet 90636, MedGen C1863655, MONDO:0011351, OMIM 603629.
Autosomal dominant nonsyndromic hearing loss 12. Also called: DEAFNESS, AUTOSOMAL DOMINANT 8. Identifiers: Orphanet 90635, MedGen C1832187, MONDO:0011102, OMIM 601543.

Allele frequency attached by ClinVar (database versions not stated): 1000 Genomes Project 30x 0.00016; gnomAD exomes 0.00019 and 0.00034; 1000 Genomes Project 0.00020; ExAC 0.00020; gnomAD 0.00021 and 0.00023; TOPMed 0.00024; ESP Exome Variant Server 0.00031.
gnomAD v4.1: 522 of 1,613,882 alleles (0.032%); highest among the groups gnomAD compares: Non-Finnish European, 0.042%; no homozygotes.

Submissions (8):

Women's Health and Genetics/Laboratory Corporation of America, LabCorp
Classification: Uncertain significance. Last evaluated: 2025-07-08. Review status: criteria provided, single submitter. Criteria: LabCorp Variant Classification Summary - May 2015. Collection method: clinical testing. Allele origin: germline.
Comment: Variant summary: TECTA c.3317G>A (p.Gly1106Asp) results in a non-conservative amino acid change in the encoded protein sequence. Algorithms developed to predict the effect of missense changes on protein structure and function are either unavailable or do not agree on the potential impact of this missense change. The variant allele was found at a frequency of 0.00019 in 250952 control chromosomes. This frequency is not significantly higher than estimated for a pathogenic variant in TECTA causing Deafness, Autosomal Recessive 21, allowing no conclusion about variant significance. To our knowledge, no occurrence of c.3317G>A in individuals affected with Deafness, Autosomal Recessive 21 and no experimental evidence demonstrating its impact on protein function have been reported. ClinVar contains an entry for this variant (Variation ID: 229298). Based on the evidence outlined above, the variant was classified as uncertain significance.

Labcorp Genetics (formerly Invitae), Labcorp
Classification: Likely benign. Last evaluated: 2024-01-11. Review status: criteria provided, single submitter. Criteria: Invitae Variant Classification Sherloc (09022015). Collection method: clinical testing. Allele origin: germline.

GeneDx
Classification: Likely benign. Last evaluated: 2019-10-04. Review status: criteria provided, single submitter. Criteria: GeneDx Variant Classification Process June 2021. Collection method: clinical testing. Allele origin: germline. Affected: yes.

Eurofins Ntd Llc (ga)
Classification: Uncertain significance. Last evaluated: 2018-09-06. Review status: criteria provided, single submitter. Criteria: EGL ClinVar v180209 classification definitions. Collection method: clinical testing. Allele origin: germline. Observed: 1 variant allele, 1 heterozygote.

ARUP Laboratories, Molecular Genetics and Genomics, ARUP Laboratories
Classification: Uncertain significance. Last evaluated: 2018-01-23. Review status: criteria provided, single submitter. Criteria: ARUP Molecular Germline Variant Investigation Process. Collection method: clinical testing. Allele origin: germline.
Comment: The p.Gly1106Asp variant (rs144844263) has not been reported in the medical literature, gene specific variation databases, nor has it been previously identified by our laboratory. This variant is listed in the Genome Aggregation Database (gnomAD) with a frequency of 0.04 percent in the European Non-Finnish population (identified on 48 out of 126,200 chromosomes) and has been reported to the ClinVar database with uncertain classification (Variation ID: 229298). The glycine at position 1106 is highly conserved up to tetraodon considering 11 species (Alamut v2.10) and computational analyses of the effects of the p.Gly1106Asp variant on protein structure and function provide conflicting results (SIFT: tolerated, MutationTaster: disease causing, PolyPhen-2: probably damaging). Altogether, there is not enough evidence to classify the p.Gly1106Asp variant with certainty.

Illumina Laboratory Services, Illumina
Classification: Uncertain significance for Autosomal recessive nonsyndromic hearing loss 21. Last evaluated: 2018-01-13. Review status: criteria provided, single submitter. Criteria: ICSL Variant Classification Criteria 13 December 2019. Collection method: clinical testing. Allele origin: germline.

Illumina Laboratory Services, Illumina
Classification: Uncertain significance for Autosomal dominant nonsyndromic hearing loss 12. Last evaluated: 2018-01-13. Review status: criteria provided, single submitter. Criteria: ICSL Variant Classification Criteria 13 December 2019. Collection method: clinical testing. Allele origin: germline.

Laboratory for Molecular Medicine, Mass General Brigham Personalized Medicine
Classification: Uncertain significance. Last evaluated: 2016-02-09. Review status: criteria provided, single submitter. Criteria: LMM Criteria. Collection method: clinical testing. Allele origin: germline. Observed: 3 variant alleles.
Comment: The p.Gly1106Asp variant in TECTA has been previously reported in 2 individuals with hearing loss by our laboratory. This variant has been identified in 23/6665 0 European chromosomes by the Exome Aggregation Consortium (ExAC; dbSNP rs144844263). Although this variant has been seen in the general population, its frequency is not high enough to rule out a pathogenic r ole. Computational prediction tools and conservation analyses suggest that the p .Gly1106Asp variant may impact the protein, though this information is not predi ctive enough to determine pathogenicity. In summary, the clinical significance o f the p.Gly1106Asp variant is uncertain.

NM_005422.4(TECTA):c.3317G>A (p.Gly1106Asp)

Genes: TBCEL-TECTA (TBCEL-TECTA readthrough; plus strand), TECTA (tectorin alpha; plus strand). Cytogenetic location: 11q23.3.
Variant type: single nucleotide variant.
Coding change: c.3317G>A on transcript NM_005422.4 (MANE Select); coding-DNA position 3317, G replaced by A.
Protein change: p.Gly1106Asp; replaces glycine 1106 with aspartic acid.
Molecular consequence: missense variant.
Genome position (GRCh38, 1-based): chr11:121,137,796, G>A. VCF-style: chr11-121137796-G-A. GRCh37 (hg19) VCF-style: chr11-121008505-G-A.
Other names: c.4274G>A, p.Gly1425Asp (NM_001378761.1); short protein forms G1106D, G1425D.
Identifiers: ClinVar variation 229298 (VCV000229298.27), dbSNP rs144844263, ClinGen allele CA6327190.